The following is an entry in ClinVar:

ClinVar aggregate classification (germline): Benign/Likely benign. Review status: criteria provided, multiple submitters, no conflicts (2 of 4 stars). 11 submissions from 11 submitters: Benign (2); Likely benign (9). Last evaluated 2026-07-27.

Conditions:
SMAD4-related disorder. Also called: SMAD4-Related disorders; SMAD4-related condition.
Juvenile polyposis syndrome (JPS). Identifiers: Orphanet 2929, MedGen C0345893, MONDO:0017380, OMIM 174900.
Familial thoracic aortic aneurysm and aortic dissection (TAAD). Also called: Thoracic aortic aneurysms and dissections. Identifiers: Orphanet 91387, MedGen C4707243, MONDO:0019625.
Hereditary cancer-predisposing syndrome. Also called: Tumor predisposition; Hereditary neoplastic syndrome; Neoplastic Syndromes, Hereditary; Hereditary Cancer Syndrome. Identifiers: Orphanet 140162, MedGen C0027672, MeSH D009386, MONDO:0015356.
Juvenile polyposis/hereditary hemorrhagic telangiectasia syndrome (JPHT). Also called: Juvenile Polyposis Syndrome / Hereditary Hemorrhagic Telangiectasia (JPS/HHT); JP/HHT SYNDROME; JUVENILE POLYPOSIS WITH HEREDITARY HEMORRHAGIC TELANGIECTASIA; POLYPOSIS, GENERALIZED JUVENILE, WITH PULMONARY ARTERIOVENOUS MALFORMATION; TELANGIECTASIA, HEREDITARY HEMORRHAGIC, WITH JUVENILE POLYPOSIS COLI. Identifiers: Orphanet 2929, MedGen C1832942, MONDO:0008278, OMIM 175050.

Allele frequency attached by ClinVar (database versions not stated): TOPMed 0.00002.

Submissions (11):

PreventionGenetics, part of Exact Sciences
Classification: Likely benign for SMAD4-related condition. Last evaluated: 2026-07-27. Review status: criteria provided, single submitter. Criteria: ACMG Guidelines, 2015. Collection method: clinical testing. Allele origin: germline.
Comment: This variant is classified as likely benign based on ACMG/AMP sequence variant interpretation guidelines (Richards et al. 2015 PMID: 25741868, with internal and published modifications).

Labcorp Genetics (formerly Invitae), Labcorp
Classification: Likely benign for Juvenile polyposis syndrome. Last evaluated: 2026-01-11. Review status: criteria provided, single submitter. Criteria: Invitae Variant Classification Sherloc (09022015). Collection method: clinical testing. Allele origin: germline.

Myriad Genetics, Inc.
Classification: Benign for Juvenile polyposis/hereditary hemorrhagic telangiectasia syndrome. Last evaluated: 2025-03-20. Review status: criteria provided, single submitter. Criteria: Myriad Autosomal Dominant, Autosomal Recessive and X-Linked Classification Criteria (2023). Collection method: clinical testing. Allele origin: unknown.
Comment: This variant is considered benign. This variant is a silent/synonymous amino acid change and it is not expected to impact splicing.

Molecular Diagnostics Laboratory, Catalan Institute of Oncology
Classification: Likely benign for Hereditary cancer-predisposing syndrome. Last evaluated: 2024-12-22. Review status: criteria provided, single submitter. Criteria: ACMG Guidelines, 2015. Collection method: clinical testing. Allele origin: germline.
Comment: BP4, BP7 c.909T>G located in exon 8 of the SMAD4 gene is predicted to result in no amino acid change, p.(Pro303=) (BP7).This variant is found in 3/268176 alleles at a frequency of 0.0011% in the gnomAD v2.1.1 database (non-cancer data set), and in 2/35106 alleles at a frequency of 0.006% within the Latino population. The SpliceAI algorithm predicts no significant impact on splicing (BP4). To our knowledge, neither clinical data nor functional studies have been reported for this variant. In addition, the variant was also identified in the ClinVar (2x benign, 6x likely benign) and LOVD (2x likely benign) databases. Based on currently available information, the variant c.909T>G should be considered a likely benign variant.

All of Us Research Program, National Institutes of Health
Classification: Likely benign for Juvenile polyposis/hereditary hemorrhagic telangiectasia syndrome. Last evaluated: 2024-02-05. Review status: criteria provided, single submitter. Criteria: ACMG Guidelines, 2015. Collection method: clinical testing. Allele origin: germline. Inheritance: Autosomal dominant inheritance. Observed: 6 variant alleles, 6 heterozygotes.
Comment: This study involves interpretation of variants in research participants for the purpose of population health screening. Participant phenotype was not available at the time of variant classification. Additional details can be found in publication PMID: 35346344, PMCID: PMC8962531

GeneDx
Classification: Likely benign. Last evaluated: 2021-04-28. Review status: criteria provided, single submitter. Criteria: GeneDx Variant Classification Process June 2021. Collection method: clinical testing. Allele origin: germline. Affected: yes.
Comment: Not observed at a significant frequency in large population cohorts (Lek et al., 2016)

Women's Health and Genetics/Laboratory Corporation of America, LabCorp
Classification: Likely benign. Last evaluated: 2021-01-15. Review status: criteria provided, single submitter. Criteria: LabCorp Variant Classification Summary - May 2015. Collection method: clinical testing. Allele origin: germline.

Sema4
Classification: Likely benign for Hereditary cancer-predisposing syndrome. Last evaluated: 2020-12-08. Review status: criteria provided, single submitter. Criteria: Sema4 Curation Guidelines. Collection method: curation. Allele origin: germline.

Quest Diagnostics Nichols Institute San Juan Capistrano
Classification: Benign. Last evaluated: 2018-01-25. Review status: criteria provided, single submitter. Criteria: Quest Diagnostics criteria. Collection method: clinical testing. Allele origin: germline.

Color Diagnostics, LLC DBA Color Health
Classification: Likely benign for Hereditary cancer-predisposing syndrome. Last evaluated: 2017-09-07. Review status: criteria provided, single submitter. Criteria: ACMG Guidelines, 2015. Collection method: clinical testing. Allele origin: germline.

Ambry Genetics
Classification: Likely benign for Hereditary cancer-predisposing syndrome; Familial thoracic aortic aneurysm and aortic dissection. Last evaluated: 2015-08-22. Review status: criteria provided, single submitter. Criteria: Ambry Variant Classification Scheme 2023. Collection method: clinical testing. Allele origin: germline.

NM_005359.6(SMAD4):c.909T>G (p.Pro303=)

Gene: SMAD4 (SMAD family member 4; plus strand). Cytogenetic location: 18q21.2.
Variant type: single nucleotide variant.
Coding change: c.909T>G on transcript NM_005359.6 (MANE Select); coding-DNA position 909, T replaced by G.
Protein change: p.Pro303=; no amino-acid change (proline 303 retained).
Molecular consequence: synonymous variant.
Genome position (GRCh38, 1-based): chr18:51,059,870, T>G. VCF-style: chr18-51059870-T-G. GRCh37 (hg19) VCF-style: chr18-48586240-T-G.
Identifiers: ClinVar variation 460571 (VCV000460571.27), dbSNP rs141149381, ClinGen allele CA8965955.